The following is an entry in ClinVar:

ClinVar aggregate classification (germline): Uncertain significance (1 of 4 stars; one submission).

Conditions:
Ataxia-telangiectasia syndrome (AT). Also called: ATAXIA-TELANGIECTASIA, FRESNO VARIANT; Ataxia-telangiectasia, complementation group D; AT, COMPLEMENTATION GROUP C; Cerebello-oculocutaneous telangiectasia; Immunodeficiency with ataxia telangiectasia; Ataxia telangiectasia (A-T). Identifiers: Orphanet 100, MedGen C0004135, MONDO:0008840, OMIM 208900.

Submission:

Labcorp Genetics (formerly Invitae), Labcorp
Classification: Uncertain significance for Ataxia-telangiectasia syndrome. Last evaluated: 2020-06-10. Review status: criteria provided, single submitter. Criteria: Invitae Variant Classification Sherloc (09022015). Collection method: clinical testing. Allele origin: germline.
Comment: In summary, the available evidence is currently insufficient to determine the role of this variant in disease. Therefore, it has been classified as a Variant of Uncertain Significance. Nucleotide substitutions within the consensus splice site are a relatively common cause of aberrant splicing (PMID: 17576681, 9536098). Algorithms developed to predict the effect of sequence changes on RNA splicing suggest that this variant may disrupt the consensus splice site, but this prediction has not been confirmed by published transcriptional studies. This variant has not been reported in the literature in individuals with ATM-related conditions. This variant is not present in population databases (ExAC no frequency). This sequence change falls in intron 30 of the ATM gene. It does not directly change the encoded amino acid sequence of the ATM protein, but it affects a nucleotide within the consensus splice site of the intron.

Literature cited by the submitters: PubMed 17576681; PubMed 9536098.

NM_000051.4(ATM):c.4611+3A>C

Gene: ATM (ATM serine/threonine kinase; plus strand). Cytogenetic location: 11q22.3.
Variant type: single nucleotide variant.
Coding change: c.4611+3A>C on transcript NM_000051.4 (MANE Select); 3 bases into the intron after coding-DNA position 4611, A replaced by C.
Molecular consequence: intron variant.
Genome position (GRCh38, 1-based): chr11:108,292,796, A>C. VCF-style: chr11-108292796-A-C. GRCh37 (hg19) VCF-style: chr11-108163523-A-C.
Other names: c.4611+3A>C (NM_001351834.2).
Identifiers: ClinVar variation 1020575 (VCV001020575.6), dbSNP rs2082874444, ClinGen allele CA1998789497.
Genomic context (GRCh38, chr11:108,292,796, plus strand): 5'-TGTTATTGTTGGTACACTTATACCCCTTGTGTATGAGCAGGTGGAGGTTCAGAAACAGGT[A>C]ATTTTCTGACTCATCTTCAAAATGGTATTTAAAATATATAAAGTATTGTTAGAAGGATTT-3'